The following is an entry in ClinVar:

ClinVar aggregate classification (germline): Uncertain significance (1 of 4 stars; one submission).

Conditions:
EGFR-related lung cancer (EGFR). Identifiers: MedGen CN130014.

Submission:

Labcorp Genetics (formerly Invitae), Labcorp
Classification: Uncertain significance for EGFR-related lung cancer. Last evaluated: 2026-02-03. Review status: criteria provided, single submitter. Criteria: Invitae Variant Classification Sherloc (09022015). Collection method: clinical testing. Allele origin: germline.
Comment: This sequence change replaces alanine, which is neutral and non-polar, with serine, which is neutral and polar, at codon 147 of the EGFR protein (p.Ala147Ser). This variant is not present in population databases (gnomAD no frequency). This variant has not been reported in the literature in individuals affected with EGFR-related conditions. An algorithm developed to predict the effect of missense changes on protein structure and function (PolyPhen-2) suggests that this variant is likely to be disruptive. In summary, the available evidence is currently insufficient to determine the role of this variant in disease. Therefore, it has been classified as a Variant of Uncertain Significance.

NM_005228.5(EGFR):c.439G>T (p.Ala147Ser)

Gene: EGFR (epidermal growth factor receptor; plus strand). Cytogenetic location: 7p11.2.
Variant type: single nucleotide variant.
Coding change: c.439G>T on transcript NM_005228.5 (MANE Select); coding-DNA position 439, G replaced by T.
Protein change: p.Ala147Ser; replaces alanine 147 with serine.
Molecular consequence: missense variant. On other transcripts: intron variant (3).
Genome position (GRCh38, 1-based): chr7:55,146,620, G>T. VCF-style: chr7-55146620-G-T. GRCh37 (hg19) VCF-style: chr7-55214313-G-T.
Other names: c.439G>T, p.Ala147Ser (NM_001346898.2, NM_201282.2, NM_201283.2 and 1 more transcripts); c.280G>T, p.Ala94Ser (NM_001346900.2); c.424+3132G>T (NM_001346899.2, NM_001346897.2); c.89-9210G>T (NM_001346941.2); short protein forms A147S, A94S.
Identifiers: ClinVar variation 4808952 (VCV004808952.1).
Genomic context (GRCh38, chr7:55,146,620, plus strand): 5'-TAAAGGAGCTGGAAAGAGTGCTCACCGCAGTTCCATTCTCCCGCAGAAATCCTGCATGGC[G>T]CCGTGCGGTTCAGCAACAACCCTGCCCTGTGCAACGTGGAGAGCATCCAGTGGCGGGACA-3'
Protein context (NP_005219.2, residues 137-157): MRNLQEILHG[Ala147Ser]VRFSNNPALC